The following is an entry in ClinVar:

NM_000038.6(APC):c.8019A>C (p.Arg2673Ser)

Gene: APC (APC regulator of Wnt signaling pathway; plus strand). Cytogenetic location: 5q22.2.
Variant type: single nucleotide variant.
Coding change: c.8019A>C on transcript NM_000038.6 (MANE Select); coding-DNA position 8019, A replaced by C.
Protein change: p.Arg2673Ser; replaces arginine 2673 with serine.
Molecular consequence: missense variant. On other transcripts: non-coding transcript variant (2).
Genome position (GRCh38, 1-based): chr5:112,843,613, A>C. VCF-style: chr5-112843613-A-C. GRCh37 (hg19) VCF-style: chr5-112179310-A-C.
Other names: c.7935A>C, p.Arg2645Ser (NM_001354899.2); c.7896A>C, p.Arg2632Ser (NM_001354900.2); c.7842A>C, p.Arg2614Ser (NM_001354901.2, NM_001407453.1); c.7746A>C, p.Arg2582Ser (NM_001354902.2); c.7716A>C, p.Arg2572Ser (NM_001354903.2, NM_001407458.1, NM_001407459.1 and 1 more transcripts); c.7641A>C, p.Arg2547Ser (NM_001354904.2); c.7539A>C, p.Arg2513Ser (NM_001354905.2); c.7170A>C, p.Arg2390Ser (NM_001354906.2, NM_001407470.1); and 12 more; short protein forms R2289S, R2390S, R2513S, R2544S, R2547S, R2572S, R2582S, R2590S.
Identifiers: ClinVar variation 3069608 (VCV003069608.2), dbSNP rs2149998000, ClinGen allele CA16038748.

ClinVar aggregate classification (germline): Uncertain significance. Review status: criteria provided, multiple submitters, no conflicts (2 of 4 stars). 2 submissions from 2 submitters: Uncertain significance (2). Last evaluated 2023-10-25.

Conditions:
Classic or attenuated familial adenomatous polyposis. Identifiers: MedGen CN372698, MONDO:0021057.
Hereditary cancer-predisposing syndrome. Also called: Neoplastic Syndromes, Hereditary; Hereditary neoplastic syndrome; Tumor predisposition; Hereditary Cancer Syndrome. Identifiers: Orphanet 140162, MedGen C0027672, MeSH D009386, MONDO:0015356.

Submissions (2):

Ambry Genetics
Classification: Uncertain significance for Hereditary cancer-predisposing syndrome. Last evaluated: 2023-10-25. Review status: criteria provided, single submitter. Criteria: Ambry Variant Classification Scheme 2023. Collection method: clinical testing. Allele origin: germline.
Comment: The p.R2673S variant (also known as c.8019A>C), located in coding exon 15 of the APC gene, results from an A to C substitution at nucleotide position 8019. The arginine at codon 2673 is replaced by serine, an amino acid with dissimilar properties. This amino acid position is conserved. In addition, in silico predictors for this gene do not accurately predict pathogenicity. Since supporting evidence is limited at this time, the clinical significance of this alteration remains unclear.

All of Us Research Program, National Institutes of Health
Classification: Uncertain significance for Classic or attenuated familial adenomatous polyposis. Last evaluated: 2023-02-24. Review status: criteria provided, single submitter. Criteria: ACMG Guidelines, 2015. Collection method: clinical testing. Allele origin: germline. Inheritance: Autosomal dominant inheritance. Observed: 1 variant allele, 1 heterozygote.
Comment: This missense variant replaces arginine with serine at codon 2673 of the APC protein. Computational prediction suggests that this variant may not impact protein structure and function (internally defined REVEL score threshold <= 0.5, PMID: 27666373). To our knowledge, functional studies have not been reported for this variant. This variant has not been reported in individuals affected with APC-related disorders in the literature. This variant has not been identified in the general population by the Genome Aggregation Database (gnomAD). The available evidence is insufficient to determine the role of this variant in disease conclusively. Therefore, this variant is classified as a Variant of Uncertain Significance.

This study involves interpretation of variants in research participants for the purpose of population health screening. Participant phenotype was not available at the time of variant classification. Additional details can be found in publication PMID: 35346344, PMCID: PMC8962531